The following is an entry in ClinVar:

NM_017780.4(CHD7):c.701A>G (p.His234Arg)

Gene: CHD7 (chromodomain helicase DNA binding protein 7; plus strand). Cytogenetic location: 8q12.2.
Variant type: single nucleotide variant.
Coding change: c.701A>G on transcript NM_017780.4 (MANE Select); coding-DNA position 701, A replaced by G.
Protein change: p.His234Arg; replaces histidine 234 with arginine.
Molecular consequence: missense variant.
Genome position (GRCh38, 1-based): chr8:60,742,133, A>G. VCF-style: chr8-60742133-A-G. GRCh37 (hg19) VCF-style: chr8-61654692-A-G.
Other names: c.701A>G, p.His234Arg (NM_001316690.1); short protein forms H234R.
Identifiers: ClinVar variation 3056197 (VCV003056197.2), dbSNP rs1809063409, ClinGen allele CA371298901.

ClinVar aggregate classification (germline): Uncertain significance (0 of 4 stars; one submission).

Conditions:
CHD7-related disorder. Also called: CHD7-related condition.

Allele frequency attached by ClinVar (database versions not stated): gnomAD 0.00001.
gnomAD v4.1: 1 of 1,613,840 alleles (0.000062%); highest among the groups gnomAD compares: African/African-American, 0.0013%; no homozygotes.

Submission:

PreventionGenetics, part of Exact Sciences
Classification: Uncertain significance for CHD7-related condition. Last evaluated: 2024-01-12. Review status: no assertion criteria provided. Collection method: clinical testing. Allele origin: germline.
Comment: The CHD7 c.701A>G variant is predicted to result in the amino acid substitution p.His234Arg. To our knowledge, this variant has not been reported in the literature or in a large population database, indicating this variant is rare. At this time, the clinical significance of this variant is uncertain due to the absence of conclusive functional and genetic evidence.